The following is an entry in ClinVar:

NM_032776.3(JMJD1C):c.1556A>C (p.Glu519Ala)

Gene: JMJD1C (jumonji domain containing 1C; minus strand). Cytogenetic location: 10q21.3.
Variant type: single nucleotide variant.
Coding change: c.1556A>C on transcript NM_032776.3 (MANE Select); coding-DNA position 1556, A replaced by C.
Protein change: p.Glu519Ala; replaces glutamic acid 519 with alanine.
Molecular consequence: missense variant. On other transcripts: non-coding transcript variant (1).
Genome position (GRCh38, 1-based): chr10:63,214,611, T>G on the plus strand (A>C on the coding strand, the complement: JMJD1C is on the minus strand). VCF-style: chr10-63214611-T-G. GRCh37 (hg19) VCF-style: chr10-64974371-T-G.
Other names: c.1010A>C, p.Glu337Ala (NM_001282948.2, NM_001318154.2); c.692A>C, p.Glu231Ala (NM_001318153.2); c.1442A>C, p.Glu481Ala (NM_001322252.2); c.899A>C, p.Glu300Ala (NM_001322254.2, NM_001322258.2); short protein forms E300A, E337A, E519A, E481A, E231A.
Identifiers: ClinVar variation 2143625 (VCV002143625.4), dbSNP rs2492783165, ClinGen allele CA377048755.

ClinVar aggregate classification (germline): Uncertain significance (1 of 4 stars; one submission).

Conditions:
Early Myoclonic Encephalopathy. Identifiers: MedGen C0270855.

gnomAD v4.1: 10 of 1,614,178 alleles (0.00062%); highest among the groups gnomAD compares: Middle Eastern, 0.017%; no homozygotes.

Submission:

Labcorp Genetics (formerly Invitae), Labcorp
Classification: Uncertain significance for Early Myoclonic Encephalopathy. Last evaluated: 2022-10-27. Review status: criteria provided, single submitter. Criteria: Invitae Variant Classification Sherloc (09022015). Collection method: clinical testing. Allele origin: germline.
Comment: In summary, the available evidence is currently insufficient to determine the role of this variant in disease. Therefore, it has been classified as a Variant of Uncertain Significance. Advanced modeling of protein sequence and biophysical properties (such as structural, functional, and spatial information, amino acid conservation, physicochemical variation, residue mobility, and thermodynamic stability) performed at Invitae indicates that this missense variant is not expected to disrupt JMJD1C protein function. This variant has not been reported in the literature in individuals affected with JMJD1C-related conditions. This variant is not present in population databases (gnomAD no frequency). This sequence change replaces glutamic acid, which is acidic and polar, with alanine, which is neutral and non-polar, at codon 519 of the JMJD1C protein (p.Glu519Ala).